The following is an entry in ClinVar:

ClinVar aggregate classification (germline): Likely benign (1 of 4 stars; one submission).

Conditions:
Pheochromocytoma/paraganglioma syndrome 1. Also called: PARAGANGLIOMAS, FAMILIAL NONCHROMAFFIN, 1; PGL 1; Paragangliomas familial 1; PARAGANGLIOMATA; Paragangliomas 1; Glomus tumors familial 1. Identifiers: Orphanet 29072, MedGen C3494181, MONDO:0008192, OMIM 168000.

Submission:

Myriad Genetics, Inc.
Classification: Likely benign for Pheochromocytoma/paraganglioma syndrome 1. Last evaluated: 2025-03-17. Review status: criteria provided, single submitter. Criteria: Myriad Autosomal Dominant, Autosomal Recessive and X-Linked Classification Criteria (2023). Collection method: clinical testing. Allele origin: unknown.
Comment: This variant is considered likely benign. This variant is intronic and is not expected to impact mRNA splicing.

NM_003002.4(SDHD):c.53-19C>T

Gene: SDHD (succinate dehydrogenase complex subunit D; plus strand). Cytogenetic location: 11q23.1.
Variant type: single nucleotide variant.
Coding change: c.53-19C>T on transcript NM_003002.4 (MANE Select); 19 bases into the intron before coding-DNA position 53, C replaced by T.
Molecular consequence: intron variant.
Genome position (GRCh38, 1-based): chr11:112,087,838, C>T. VCF-style: chr11-112087838-C-T. GRCh37 (hg19) VCF-style: chr11-111958562-C-T.
Other names: c.53-19C>T (NM_001276506.2, NM_001276503.2); c.52+879C>T (NM_001276504.2).
Identifiers: ClinVar variation 3904412 (VCV003904412.1).